The following is an entry in ClinVar:

NM_175914.5(HNF4A):c.722G>A (p.Arg241Gln)

Gene: HNF4A (hepatocyte nuclear factor 4 alpha; plus strand). Cytogenetic location: 20q13.12.
Variant type: single nucleotide variant.
Coding change: c.722G>A on transcript NM_175914.5 (MANE Select); coding-DNA position 722, G replaced by A.
Protein change: p.Arg241Gln; replaces arginine 241 with glutamine.
Molecular consequence: missense variant.
Genome position (GRCh38, 1-based): chr20:44,419,772, G>A. VCF-style: chr20-44419772-G-A. GRCh37 (hg19) VCF-style: chr20-43048412-G-A.
Other names: c.788G>A, p.Arg263Gln (NM_000457.6, NM_178849.3, NM_178850.3); c.722G>A, p.Arg241Gln (NM_001030003.3, NM_001030004.3); c.767G>A, p.Arg256Gln (NM_001258355.2); c.713G>A, p.Arg238Gln (NM_001287182.2, NM_001287183.2, NM_001287184.2); short protein forms R263Q, R238Q, R241Q, R256Q.
Identifiers: ClinVar variation 4701093 (VCV004701093.1).

ClinVar aggregate classification (germline): Uncertain significance (1 of 4 stars; one submission).

Submission:

Labcorp Genetics (formerly Invitae), Labcorp
Classification: Uncertain significance. Last evaluated: 2025-11-29. Review status: criteria provided, single submitter. Criteria: Invitae Variant Classification Sherloc (09022015). Collection method: clinical testing. Allele origin: germline.
Comment: This sequence change replaces arginine, which is basic and polar, with glutamine, which is neutral and polar, at codon 241 of the HNF4A protein (p.Arg241Gln). This variant is not present in population databases (gnomAD no frequency). This variant has not been reported in the literature in individuals affected with HNF4A-related conditions. Invitae Evidence Modeling of protein sequence and biophysical properties (such as structural, functional, and spatial information, amino acid conservation, physicochemical variation, residue mobility, and thermodynamic stability) has been performed for this missense variant. However, the output from this modeling did not meet the statistical confidence thresholds required to predict the impact of this variant on HNF4A protein function. In summary, the available evidence is currently insufficient to determine the role of this variant in disease. Therefore, it has been classified as a Variant of Uncertain Significance.